The following is an entry in ClinVar:

NM_014871.6(PAN2):c.1023C>A (p.Ser341Arg)

Gene: PAN2 (poly(A) specific ribonuclease subunit PAN2; minus strand). Cytogenetic location: 12q13.3.
Variant type: single nucleotide variant.
Coding change: c.1023C>A on transcript NM_014871.6 (MANE Select); coding-DNA position 1023, C replaced by A.
Protein change: p.Ser341Arg; replaces serine 341 with arginine.
Molecular consequence: missense variant.
Genome position (GRCh38, 1-based): chr12:56,326,856, G>T on the plus strand (C>A on the coding strand, the complement: PAN2 is on the minus strand). VCF-style: chr12-56326856-G-T. GRCh37 (hg19) VCF-style: chr12-56720640-G-T.
Other names: c.1023C>A, p.Ser341Arg (NM_001127460.4, NM_001166279.3, NM_001394699.1 and 8 more transcripts); c.606C>A, p.Ser202Arg (NM_001394708.1); short protein forms S202R, S341R.
Identifiers: ClinVar variation 4281833 (VCV004281833.1).
Genomic context (GRCh38, chr12:56,326,856, plus strand): 5'-CGGGGAATCAGTCCAGAGGTGCACACAGCCCTCAGAATCCCCAAAGGCCAGAGCCTGCTT[G>T]CTGGCTGACACATCAAATGTCATTAGCAGAGGCCCCACAGGATTCACATGAAAGATATCG-3'
Protein context (NP_055686.4, residues 331-351): PLLMTFDVSA[Ser341Arg]KQALAFGDSE

ClinVar aggregate classification (germline): Uncertain significance (1 of 4 stars; one submission).

Submission:

GeneDx
Classification: Uncertain significance. Last evaluated: 2025-04-14. Review status: criteria provided, single submitter. Criteria: GeneDx Variant Classification Process June 2021. Collection method: clinical testing. Allele origin: germline. Affected: yes.
Comment: Not observed at significant frequency in large population cohorts (gnomAD); In silico analysis supports that this missense variant has a deleterious effect on protein structure/function; Has not been previously published as pathogenic or benign to our knowledge